The following is an entry in ClinVar:

ClinVar aggregate classification (germline): Likely benign (1 of 4 stars; one submission).

Submission:

CeGaT Center for Human Genetics Tuebingen
Classification: Likely benign. Last evaluated: 2026-09-01. Review status: criteria provided, single submitter. Criteria: CeGaT Center For Human Genetics Tuebingen Variant Classification Criteria Version 2. Collection method: clinical testing. Allele origin: germline. Affected: yes. Observed: 1 variant allele.
Comment: SATB1: BP3

NC_000003.12:g.18349662_18349685dup

Gene: SATB1 (SATB homeobox 1; minus strand). Cytogenetic location: 3p24.3.
Variant type: Duplication.
Genome position: GRCh38 VCF-style: chr3-18349656-C-CTGCTGTTGCTGTTGCTGCTGCTGT. GRCh37 (hg19) VCF-style: chr3-18391148-C-CTGCTGTTGCTGTTGCTGCTGCTGT.
Identifiers: ClinVar variation 5041439 (VCV005041439.1).